The following is an entry in ClinVar:

ClinVar aggregate classification (germline): Uncertain significance (1 of 4 stars; one submission).

Conditions:
Diffuse cerebral and cerebellar atrophy - intractable seizures - progressive microcephaly syndrome. Also called: Microcephaly, progressive, with seizures and cerebral and cerebellar atrophy. Identifiers: Orphanet 404437, MedGen C4014239, MONDO:0014335, OMIM 615760.

Allele frequency attached by ClinVar (database versions not stated): TOPMed below 0.00001.

Submission:

Labcorp Genetics (formerly Invitae), Labcorp
Classification: Uncertain significance for Diffuse cerebral and cerebellar atrophy - intractable seizures - progressive microcephaly syndrome. Last evaluated: 2022-07-03. Review status: criteria provided, single submitter. Criteria: Invitae Variant Classification Sherloc (09022015). Collection method: clinical testing. Allele origin: germline.
Comment: In summary, the available evidence is currently insufficient to determine the role of this variant in disease. Therefore, it has been classified as a Variant of Uncertain Significance. Algorithms developed to predict the effect of missense changes on protein structure and function (SIFT, PolyPhen-2, Align-GVGD) all suggest that this variant is likely to be tolerated. ClinVar contains an entry for this variant (Variation ID: 836970). This variant has not been reported in the literature in individuals affected with QARS-related conditions. This variant is not present in population databases (gnomAD no frequency). This sequence change replaces valine, which is neutral and non-polar, with alanine, which is neutral and non-polar, at codon 208 of the QARS protein (p.Val208Ala).

NM_005051.3(QARS1):c.623T>C (p.Val208Ala)

Gene: QARS1 (glutaminyl-tRNA synthetase 1; minus strand). Cytogenetic location: 3p21.31.
Variant type: single nucleotide variant.
Coding change: c.623T>C on transcript NM_005051.3 (MANE Select); coding-DNA position 623, T replaced by C.
Protein change: p.Val208Ala; replaces valine 208 with alanine.
Molecular consequence: missense variant. On other transcripts: non-coding transcript variant (1).
Genome position (GRCh38, 1-based): chr3:49,102,213, A>G on the plus strand (T>C on the coding strand, the complement: QARS1 is on the minus strand). VCF-style: chr3-49102213-A-G. GRCh37 (hg19) VCF-style: chr3-49139646-A-G.
Other names: c.590T>C, p.Val197Ala (NM_001272073.2); short protein forms V208A, V197A.
Identifiers: ClinVar variation 836970 (VCV000836970.8), dbSNP rs2042480502, ClinGen allele CA352716081.